The following is an entry in ClinVar:

ClinVar aggregate classification (germline): Uncertain significance. Review status: criteria provided, multiple submitters, no conflicts (2 of 4 stars). 2 submissions from 2 submitters: Uncertain significance (2). Last evaluated 2024-05-15.

Conditions:
Familial focal epilepsy with variable foci (FPEVF). Identifiers: Orphanet 98820, MedGen C1858477, MONDO:0020310.

Allele frequency attached by ClinVar (database versions not stated): gnomAD exomes below 0.00001; TOPMed below 0.00001.

Submissions (2):

Labcorp Genetics (formerly Invitae), Labcorp
Classification: Uncertain significance for Familial focal epilepsy with variable foci. Last evaluated: 2024-05-15. Review status: criteria provided, single submitter. Criteria: Invitae Variant Classification Sherloc (09022015). Collection method: clinical testing. Allele origin: germline.
Comment: This sequence change replaces aspartic acid, which is acidic and polar, with valine, which is neutral and non-polar, at codon 189 of the DEPDC5 protein (p.Asp189Val). This variant is not present in population databases (gnomAD no frequency). This variant has not been reported in the literature in individuals affected with DEPDC5-related conditions. ClinVar contains an entry for this variant (Variation ID: 1402894). Experimental studies and prediction algorithms are not available or were not evaluated, and the functional significance of this variant is currently unknown. In summary, the available evidence is currently insufficient to determine the role of this variant in disease. Therefore, it has been classified as a Variant of Uncertain Significance.

GeneDx
Classification: Uncertain significance. Last evaluated: 2024-02-05. Review status: criteria provided, single submitter. Criteria: GeneDx Variant Classification Process June 2021. Collection method: clinical testing. Allele origin: germline. Affected: yes.
Comment: Not observed at significant frequency in large population cohorts (gnomAD); In silico analysis supports that this missense variant has a deleterious effect on protein structure/function; Has not been previously published as pathogenic or benign to our knowledge

NM_001242896.3(DEPDC5):c.566A>T (p.Asp189Val)

Gene: DEPDC5 (DEP domain containing 5, GATOR1 subcomplex subunit; plus strand). Cytogenetic location: 22q12.2.
Variant type: single nucleotide variant.
Coding change: c.566A>T on transcript NM_001242896.3 (MANE Select); coding-DNA position 566, A replaced by T.
Protein change: p.Asp189Val; replaces aspartic acid 189 with valine.
Molecular consequence: missense variant. On other transcripts: non-coding transcript variant (5).
Genome position (GRCh38, 1-based): chr22:31,784,817, A>T. VCF-style: chr22-31784817-A-T. GRCh37 (hg19) VCF-style: chr22-32180803-A-T.
Other names: c.566A>T, p.Asp189Val (NM_001007188.4, NM_001136029.4, NM_001242897.2 and 7 more transcripts); c.482A>T, p.Asp161Val (NM_001369901.1, NM_001369902.1); short protein forms D189V, D161V.
Identifiers: ClinVar variation 1402894 (VCV001402894.8), dbSNP rs2084816540, ClinGen allele CA411286040.